The following is an entry in ClinVar:

ClinVar aggregate classification (germline): Pathogenic/Likely pathogenic. Review status: criteria provided, multiple submitters, no conflicts (2 of 4 stars). 13 submissions from 13 submitters: Pathogenic (10); Likely pathogenic (2). 1 of the submissions does not count toward it. Last evaluated 2025-06-24.

Conditions:
Familial thoracic aortic aneurysm and aortic dissection (TAAD). Also called: Thoracic aortic aneurysms and dissections. Identifiers: Orphanet 91387, MedGen C4707243, MONDO:0019625.
TGFB2-related disorder. Also called: TGFB2-related condition.
Loeys-Dietz syndrome 4 (LDS4). Also called: TGFB2-Related Loeys-Dietz Syndrome; ANEURYSM, AORTIC AND CEREBRAL, WITH ARTERIAL TORTUOSITY AND SKELETAL MANIFESTATIONS. Identifiers: MedGen C3553762, MONDO:0013897, OMIM 614816.
Familial aortopathy. Identifiers: MedGen CN078214.

gnomAD v4.1: 1 of 1,613,628 alleles (0.000062%); highest among the groups gnomAD compares: Non-Finnish European, 0.000085%; no homozygotes.

Submissions (13):

PreventionGenetics, part of Exact Sciences
Classification: Pathogenic for TGFB2-related condition. Last evaluated: 2025-06-24. Review status: criteria provided, single submitter. Criteria: ACMG Guidelines, 2015. Collection method: clinical testing. Allele origin: germline.
Comment: The TGFB2 c.895C>T variant is predicted to result in the amino acid substitution p.Arg299Trp. This variant, also known as p.Arg327Trp in the literature, was reported in multiple individuals with Loeys-Dietz syndrome presenting thoracic aortic aneurysms and dissections or coronary artery dissections (Lindsay et al. 2012. PubMed ID: 22772368; Schubert et al. 2016. PubMed ID: 26854089; Overwater et al. 2018. PubMed ID: 29907982; Bashari et al. 2019. PubMed ID: 31191903; Carss et al. 2020. PubMed ID: 33125268). This variant has not been reported in a large population database, indicating this variant is rare and has been consistently classified as pathogenic in ClinVar. This variant is interpreted as pathogenic.

3billion
Classification: Pathogenic for Loeys-Dietz syndrome 4. Last evaluated: 2025-02-28. Review status: criteria provided, single submitter. Criteria: ACMG Guidelines, 2015. Collection method: clinical testing. Allele origin: germline. Affected: yes.
Comment: The variant is observed at an extremely low frequency in the gnomAD v4.1.0 dataset (total allele frequency: <0.001%). Predicted Consequence/Location: Missense variant. The majority of the known disease-causing variants of this gene are variants expected to result in premature termination of the protein. In silico tool predictions suggest damaging effect of the variant on gene or gene product [REVEL: 0.60 (>=0.6, sensitivity 0.68 and specificity 0.92)]. The same nucleotide change resulting in the same amino acid change has been previously reported as pathogenic/likely pathogenic with strong evidence (ClinVar ID: VCV000213845 /PMID: 22772368). The variant has been observed in at least two similarly affected unrelated individuals (PMID: 23102774, 26854089). A different missense change at the same codon (p.Arg299Gln) has been reported as pathogenic/likely pathogenic with strong evidence (ClinVar ID: VCV000381708 /PMID: 23102774 /3billion dataset). Therefore, this variant is classified as Pathogenic according to the recommendation of ACMG/AMP guideline.

Ambry Genetics
Classification: Likely pathogenic for Familial thoracic aortic aneurysm and aortic dissection. Last evaluated: 2025-01-10. Review status: criteria provided, single submitter. Criteria: Ambry Variant Classification Scheme 2023. Collection method: clinical testing. Allele origin: germline.
Comment: The p.R299W variant (also known as c.895C>T), located in coding exon 5 of the TGFB2 gene, results from a C to T substitution at nucleotide position 895. The arginine at codon 299 is replaced by tryptophan, an amino acid with dissimilar properties. This variant (described as NM_001135599.2:c.979C>T, p.R327W) has been reported in multiple affected individuals with Loeys-Dietz syndrome or syndromic thoracic aortic aneurysm findings; co-segregation was also reported in some affected relatives (Lindsay ME et al. Nat. Genet., 2012 Jul;44:922-7; Renard M et al. Int. J. Cardiol., 2013 May;165:584-7; Schubert JA et al. Am. J. Med. Genet. A, 2016 May;170A:1288-94; Overwater E et al. Hum. Mutat., 2018 09;39:1173-1192; Bashari H et al. SAGE Open Med Case Rep, 2019 May;7:2050313X19852539). A different variant affecting this codon, p.R299Q, c.896G>A (also referred to as p.R327Q, c.980G>A) has been reported in association with syndromic thoracic aortic aneurysm findings (Renard M et al. Int. J. Cardiol., 2013 May;165:584-7; Campens L et al. Orphanet J Rare Dis, 2015 Feb;10:9). This variant is considered to be rare based on population cohorts in the Genome Aggregation Database (gnomAD). This amino acid position is highly conserved in available vertebrate species. In addition, this alteration is predicted to be deleterious by in silico analysis. Based on the majority of available evidence to date, this variant is likely to be pathogenic.

Labcorp Genetics (formerly Invitae), Labcorp
Classification: Pathogenic for Loeys-Dietz syndrome 4. Last evaluated: 2024-07-19. Review status: criteria provided, single submitter. Criteria: Invitae Variant Classification Sherloc (09022015). Collection method: clinical testing. Allele origin: germline.
Comment: This sequence change replaces arginine, which is basic and polar, with tryptophan, which is neutral and slightly polar, at codon 299 of the TGFB2 protein (p.Arg299Trp). This variant is not present in population databases (gnomAD no frequency). This missense change has been observed in individuals with Loeys-Dietz syndrome and syndromic thoracic aortic aneurysms and dissections (PMID: 22772368, 23102774, 26854089). It has also been observed to segregate with disease in related individuals. This variant is also known as c.979C>T (p.Arg327Trp). ClinVar contains an entry for this variant (Variation ID: 213845). Advanced modeling of protein sequence and biophysical properties (such as structural, functional, and spatial information, amino acid conservation, physicochemical variation, residue mobility, and thermodynamic stability) performed at Invitae indicates that this missense variant is expected to disrupt TGFB2 protein function with a positive predictive value of 80%. For these reasons, this variant has been classified as Pathogenic.

Department of Clinical Genetics, Copenhagen University Hospital, Rigshospitalet
Classification: Pathogenic for Loeys-Dietz syndrome 4. Last evaluated: 2024-01-12. Review status: criteria provided, single submitter. Criteria: ACMG Guidelines, 2015. Collection method: clinical testing. Allele origin: germline.
Comment: PS4_M, PM5_M, PM1_M, PP3_M, PP5_Sup, PM2_Sup, PP1_Sup

Blueprint Genetics
Classification: Pathogenic for TGFB2-related disorders. Last evaluated: 2023-02-01. Review status: criteria provided, single submitter. Criteria: ACMG Guidelines, 2015. Collection method: clinical testing. Allele origin: germline. Affected: yes. Observed: 2 variant alleles.

GeneDx
Classification: Pathogenic. Last evaluated: 2022-02-25. Review status: criteria provided, single submitter. Criteria: GeneDx Variant Classification Process June 2021. Collection method: clinical testing. Allele origin: germline. Affected: yes.
Comment: Not observed in large population cohorts (gnomAD); Located in the RKKR motif, where a significant number of missense variants have been reported in association with LDS to date (Schepers et al., 2018); In silico analysis supports that this missense variant has a deleterious effect on protein structure/function; This variant is associated with the following publications: (PMID: 22772368, 26854089, 31191903, 33125268, 29907982, 29392890)

CeGaT Center for Human Genetics Tuebingen
Classification: Pathogenic. Last evaluated: 2021-08-01. Review status: criteria provided, single submitter. Criteria: CeGaT Center For Human Genetics Tuebingen Variant Classification Criteria Version 2. Collection method: clinical testing. Allele origin: germline. Affected: yes. Observed: 1 variant allele.

Women's Health and Genetics/Laboratory Corporation of America, LabCorp
Classification: Pathogenic for Familial aortopathy. Last evaluated: 2020-01-06. Review status: criteria provided, single submitter. Criteria: LabCorp Variant Classification Summary - May 2015. Collection method: clinical testing. Allele origin: germline.
Comment: Variant summary: TGFB2 c.895C>T (p.Arg299Trp) results in a non-conservative amino acid change located in the C-terminal domain (IPR001839) of the encoded protein sequence. Five of five in-silico tools predict a damaging effect of the variant on protein function. The variant was absent in 250514 control chromosomes (gnomAD). The variant, c.895C>T (also known asc.979C>T (p.Arg327Trp) in the literature), has been reported in the literature in multiple individuals and families affected with Aortopathy, and has been observed to segregate with the disease in at least two families (e.g. Lindsay_2012, Schubert_2016, Bashari_2019). These data indicate that the variant is very likely to be associated with disease. To our knowledge, no experimental evidence demonstrating an impact on protein function has been reported. Three submitters have provided clinical-significance assessments for this variant in ClinVar after 2014, and classified the variant as likely pathogenic (2x) or pathogenic (1x). Based on the evidence outlined above, the variant was classified as pathogenic.

Human Genome Sequencing Center Clinical Lab, Baylor College of Medicine
Classification: Pathogenic for Loeys-Dietz syndrome 4. Last evaluated: 2019-11-15. Review status: criteria provided, single submitter. Criteria: ACMG Guidelines, 2015. Collection method: clinical testing. Allele origin: germline.
Comment: The c.979C>T variant in the TGFB2 gene results in an amino acid change at residue 327 from an arginine to a tryptophan in the resultant protein (p.Arg327Trp). Also known as c.895C>T (p.Arg299Trp) using an alternate transcript, this variant has been reported in multiple individuals with Loeys-Dietz syndrome and thoracic aortic aneurysms and dissections (PMID: 22772368, 26854089, 23102774). This variant is located in RKKR-motif, an important protein domain where other pathogenic variants have been described. Another variant at this same amino acid position (p.Arg299Gln) has also been reported in association with aortic aneurysms and dissections (PMID: 23102774, 25644172). Multiple lines of in-silico algorithms predict this change to be deleterious. In addition, this variant is absent from population databases (gnomAD). We consider this variant to be pathogenic.

Eurofins Ntd Llc (ga)
Classification: Likely pathogenic. Last evaluated: 2016-03-07. Review status: criteria provided, single submitter. Criteria: EGL Classification Definitions 2015. Collection method: clinical testing. Allele origin: germline. Observed: 1 variant allele, 1 heterozygote.

Baylor-Hopkins Center for Mendelian Genomics, Johns Hopkins University School of Medicine
Classification: Pathogenic for Loeys-Dietz syndrome 4. Review status: criteria provided, single submitter. Criteria: Submitter's publication. Collection method: research. Allele origin: germline. Affected: yes. Observed: 1 heterozygote.

Clinical Genetics Laboratory, University Hospital Schleswig-Holstein
Classification: Pathogenic for Loeys-Dietz syndrome 4. Last evaluated: 2023-10-18. Review status: no assertion criteria provided. Collection method: clinical testing. Allele origin: germline. Affected: yes. Not counted in ClinVar's aggregate classification.

Literature cited by the submitters: PubMed 22772368 (cited by 5 submitters); PubMed 26854089 (cited by 5 submitters); PubMed 23102774 (cited by 3 submitters); PubMed 28550590 (cited by Ambry Genetics); PubMed 29907982 (cited by Ambry Genetics); PubMed 31191903 (cited by Ambry Genetics and Women's Health and Genetics/Laboratory Corporation of America, LabCorp); PubMed 33125268 (cited by Ambry Genetics); PubMed 34363016 (cited by Ambry Genetics); PubMed 39534309 (cited by Ambry Genetics).

NM_003238.6(TGFB2):c.895C>T (p.Arg299Trp)

Gene: TGFB2 (transforming growth factor beta 2; plus strand). Cytogenetic location: 1q41.
Variant type: single nucleotide variant.
Coding change: c.895C>T on transcript NM_003238.6 (MANE Select); coding-DNA position 895, C replaced by T.
Protein change: p.Arg299Trp; replaces arginine 299 with tryptophan.
Molecular consequence: missense variant. On other transcripts: non-coding transcript variant (2).
Genome position (GRCh38, 1-based): chr1:218,436,110, C>T. VCF-style: chr1-218436110-C-T. GRCh37 (hg19) VCF-style: chr1-218609452-C-T.
Other names: p.R299W:CGG>TGG; c.979C>T, p.Arg327Trp (NM_001135599.4); short protein forms R299W, R327W.
Identifiers: ClinVar variation 213845 (VCV000213845.59), dbSNP rs863223792, ClinGen allele CA320073.